The following is an entry in ClinVar:

ClinVar aggregate classification (germline): Uncertain significance (1 of 4 stars; one submission).

Conditions:
Hereditary cancer-predisposing syndrome. Also called: Hereditary Cancer Syndrome; Hereditary neoplastic syndrome; Neoplastic Syndromes, Hereditary; Tumor predisposition. Identifiers: Orphanet 140162, MedGen C0027672, MeSH D009386, MONDO:0015356.

Submission:

Ambry Genetics
Classification: Uncertain significance for Hereditary cancer-predisposing syndrome. Last evaluated: 2025-08-02. Review status: criteria provided, single submitter. Criteria: Ambry Variant Classification Scheme 2023. Collection method: clinical testing. Allele origin: germline.
Comment: The p.V148L variant (also known as c.442G>T), located in coding exon 4 of the EGFR gene, results from a G to T substitution at nucleotide position 442. The valine at codon 148 is replaced by leucine, an amino acid with highly similar properties. This amino acid position is conserved. In addition, this alteration is predicted to be deleterious by in silico analysis. Based on the available evidence, the clinical significance of this variant remains unclear.

NM_005228.5(EGFR):c.442G>T (p.Val148Leu)

Gene: EGFR (epidermal growth factor receptor; plus strand). Cytogenetic location: 7p11.2.
Variant type: single nucleotide variant.
Coding change: c.442G>T on transcript NM_005228.5 (MANE Select); coding-DNA position 442, G replaced by T.
Protein change: p.Val148Leu; replaces valine 148 with leucine.
Molecular consequence: missense variant. On other transcripts: intron variant (3).
Genome position (GRCh38, 1-based): chr7:55,146,623, G>T. VCF-style: chr7-55146623-G-T. GRCh37 (hg19) VCF-style: chr7-55214316-G-T.
Other names: c.442G>T, p.Val148Leu (NM_001346898.2, NM_201282.2, NM_201283.2 and 1 more transcripts); c.283G>T, p.Val95Leu (NM_001346900.2); c.424+3135G>T (NM_001346899.2, NM_001346897.2); c.89-9207G>T (NM_001346941.2); short protein forms V95L, V148L.
Identifiers: ClinVar variation 4247328 (VCV004247328.1).
Genomic context (GRCh38, chr7:55,146,623, plus strand): 5'-AGGAGCTGGAAAGAGTGCTCACCGCAGTTCCATTCTCCCGCAGAAATCCTGCATGGCGCC[G>T]TGCGGTTCAGCAACAACCCTGCCCTGTGCAACGTGGAGAGCATCCAGTGGCGGGACATAG-3'
Protein context (NP_005219.2, residues 138-158): RNLQEILHGA[Val148Leu]RFSNNPALCN